The following is an entry in ClinVar:

NM_001372044.2(SHANK3):c.4290_4291del (p.Val1432fs)

Gene: SHANK3 (SH3 and multiple ankyrin repeat domains 3; plus strand). Cytogenetic location: 22q13.33.
Variant type: Deletion.
Coding change: c.4290_4291del on transcript NM_001372044.2 (MANE Select); coding-DNA positions 4290 to 4291, 2 bases deleted (TG; older notation c.4290_4291delTG).
Protein change: p.Val1432fs; shifts the reading frame from valine 1432.
Molecular consequence: frameshift variant.
Genome position (GRCh38, 1-based): chr22:50,721,898-50,721,899, TG deleted. VCF-style (leftmost placement, unchanged base first): chr22-50721897-CTG-C. GRCh37 (hg19) VCF-style: chr22-51160325-CTG-C.
Other names: c.4065_4066del (NM_033517.1); short protein forms V1432fs.
Identifiers: ClinVar variation 978857 (VCV000978857.5), dbSNP rs2083293616, ClinGen allele CA1139667210.

ClinVar aggregate classification (germline): Pathogenic. Review status: criteria provided, multiple submitters, no conflicts (2 of 4 stars). 4 submissions from 4 submitters: Pathogenic (4). Last evaluated 2022-12-23.

Conditions:
Intellectual disability. Also called: Intellectual functioning disability; Intellectual developmental disorder; intellectual disabilities. Identifiers: MedGen C3714756, MeSH D008607, MONDO:0001071, HP:0001249.
SHANK3-related disorder. Also called: SHANK3-related condition.
Phelan-McDermid syndrome. Also called: Phelan-McDermid Syndrome-SHANK3 Related; TELOMERIC 22q13 MONOSOMY SYNDROME; 22q13.3 deletion syndrome. Identifiers: Orphanet 48652, MedGen C1853490, MONDO:0011652, OMIM 606232.

Submissions (4):

GeneDx
Classification: Pathogenic. Last evaluated: 2022-12-23. Review status: criteria provided, single submitter. Criteria: GeneDx Variant Classification Process June 2021. Collection method: clinical testing. Allele origin: germline. Affected: yes.
Comment: Identified in an individual with atypical absence seizures in a cohort of individuals with SHANK3 variants and epilepsy; however segregation and detailed clinical information was not provided (Holder et al., 2016); Frameshift variant predicted to result in protein truncation or nonsense mediated decay in a gene for which loss of function is a known mechanism of disease; Not observed at significant frequency in large population cohorts (gnomAD); This variant is associated with the following publications: (PMID: 29719671, 32050889, 31879555, 27554343)

Center for Human Genetics and Genomic Medicine, Uniklinik Rwth Aachen
Classification: Pathogenic for Phelan-McDermid syndrome. Last evaluated: 2020-10-06. Review status: criteria provided, single submitter. Criteria: ACMG Guidelines, 2015. Collection method: clinical testing. Allele origin: de novo. Inheritance: Autosomal dominant inheritance. Affected: yes. Observed: 1 heterozygote.
Comment: The Variant has been described in the literature as NM_033517.1:c.4065_4066del p.(Val1357Glyfs*4) NG_008607.2:g.52544_52545del (De Rubeis et al., 2018; Kohlenberg et al., 2020; Kolevzon et al., 2019). As a frameshift mutation it probably causes the loss of function of the according protein.

Diagnostic Laboratory, Strasbourg University Hospital
Classification: Pathogenic for Intellectual disability. Last evaluated: 2020-04-20. Review status: criteria provided, single submitter. Criteria: ACMG Guidelines, 2015. Collection method: clinical testing. Allele origin: de novo. Inheritance: Autosomal dominant inheritance. Affected: yes. Observed: 1 heterozygote.

Blueprint Genetics
Classification: Pathogenic for SHANK3-related disorders. Last evaluated: 2018-12-27. Review status: criteria provided, single submitter. Criteria: ACMG Guidelines, 2015. Collection method: clinical testing. Allele origin: de novo. Affected: yes. Observed: 1 variant allele.